The following is an entry in ClinVar:

ClinVar aggregate classification (germline): Conflicting classifications of pathogenicity. Review status: criteria provided, conflicting classifications (1 of 4 stars). 2 submissions from 2 submitters: Likely pathogenic (1); Uncertain significance (1). Last evaluated 2025-04-26.

Allele frequency attached by ClinVar (database versions not stated): 1000 Genomes Project 0.00060; TOPMed 0.00002; gnomAD 0.00004; gnomAD exomes below 0.00001; ExAC 0.00002; 1000 Genomes Project 30x 0.00047.

Submissions (2):

Labcorp Genetics (formerly Invitae), Labcorp
Classification: Likely pathogenic. Last evaluated: 2025-04-26. Review status: criteria provided, single submitter. Criteria: Invitae Variant Classification Sherloc (09022015). Collection method: clinical testing. Allele origin: germline.
Comment: This sequence change affects an acceptor splice site in intron 5 of the TMPRSS15 gene. It is expected to disrupt RNA splicing. Variants that disrupt the donor or acceptor splice site typically lead to a loss of protein function (PMID: 16199547), and loss-of-function variants in TMPRSS15 are known to be pathogenic (PMID: 11719902). This variant is present in population databases (rs543871957, gnomAD 0.04%). This variant has not been reported in the literature in individuals affected with TMPRSS15-related conditions. ClinVar contains an entry for this variant (Variation ID: 1974790). Algorithms developed to predict the effect of sequence changes on RNA splicing suggest that this variant may disrupt the consensus splice site. In summary, the currently available evidence indicates that the variant is pathogenic, but additional data are needed to prove that conclusively. Therefore, this variant has been classified as Likely Pathogenic.

GeneDx
Classification: Uncertain significance. Last evaluated: 2023-04-03. Review status: criteria provided, single submitter. Criteria: GeneDx Variant Classification Process June 2021. Collection method: clinical testing. Allele origin: germline. Affected: yes.
Comment: Canonical splice site variant expected to result in aberrant splicing, although in the absence of functional evidence the actual effect of this sequence change is unknown.; Has not been previously published as pathogenic or benign to our knowledge

Literature cited by the submitters: PubMed 16199547 (cited by Labcorp Genetics (formerly Invitae), Labcorp); PubMed 11719902 (cited by Labcorp Genetics (formerly Invitae), Labcorp).

NM_002772.3(TMPRSS15):c.533-2A>G

Gene: TMPRSS15 (transmembrane serine protease 15; minus strand). Cytogenetic location: 21q21.1.
Variant type: single nucleotide variant.
Coding change: c.533-2A>G on transcript NM_002772.3 (MANE Select); the canonical splice acceptor site of the intron before coding-DNA position 533, A replaced by G.
Molecular consequence: splice acceptor variant.
Genome position (GRCh38, 1-based): chr21:18,372,326, T>C on the plus strand (A>G on the coding strand, the complement: TMPRSS15 is on the minus strand). VCF-style: chr21-18372326-T-C. GRCh37 (hg19) VCF-style: chr21-19744643-T-C.
Identifiers: ClinVar variation 1974790 (VCV001974790.6), dbSNP rs543871957, ClinGen allele CA9984722.